The following is an entry in ClinVar:

ClinVar aggregate classification (germline): Uncertain significance. Review status: criteria provided, multiple submitters, no conflicts (2 of 4 stars). 2 submissions from 2 submitters: Uncertain significance (2). Last evaluated 2022-05-31.

Conditions:
Xeroderma pigmentosum, group F (XPF). Also called: XERODERMA PIGMENTOSUM, COMPLEMENTATION GROUP F; ERCC4-Related Xeroderma Pigmentosum; XERODERMA PIGMENTOSUM, TYPE F; Xeroderma pigmentosum, type 6; XERODERMA PIGMENTOSUM VI; XP, GROUP F. Identifiers: MedGen C0268140, MONDO:0010215, OMIM 278760.
Cockayne syndrome. Identifiers: Orphanet 191, MedGen C0009207, MONDO:0016006.
Fanconi anemia complementation group Q. Identifiers: Orphanet 84, MedGen C3808988, MONDO:0014108, OMIM 615272.

Allele frequency attached by ClinVar (database versions not stated): gnomAD exomes below 0.00001; ExAC 0.00001; gnomAD 0.00001; TOPMed 0.00002.

Submissions (2):

Labcorp Genetics (formerly Invitae), Labcorp
Classification: Uncertain significance for Fanconi anemia complementation group Q; Xeroderma pigmentosum, group F; Cockayne syndrome. Last evaluated: 2022-05-31. Review status: criteria provided, single submitter. Criteria: Invitae Variant Classification Sherloc (09022015). Collection method: clinical testing. Allele origin: germline.
Comment: This sequence change replaces lysine, which is basic and polar, with asparagine, which is neutral and polar, at codon 370 of the ERCC4 protein (p.Lys370Asn). This variant is present in population databases (rs774643449, gnomAD 0.006%). This variant has not been reported in the literature in individuals affected with ERCC4-related conditions. ClinVar contains an entry for this variant (Variation ID: 435078). Algorithms developed to predict the effect of missense changes on protein structure and function are either unavailable or do not agree on the potential impact of this missense change (SIFT: "Deleterious"; PolyPhen-2: "Benign"; Align-GVGD: "Class C0"). In summary, the available evidence is currently insufficient to determine the role of this variant in disease. Therefore, it has been classified as a Variant of Uncertain Significance.

Genetic Services Laboratory, University of Chicago
Classification: Uncertain significance. Last evaluated: 2016-10-25. Review status: criteria provided, single submitter. Criteria: ACMG Guidelines, 2015. Collection method: clinical testing. Allele origin: germline. Affected: no.

NM_005236.3(ERCC4):c.1110A>T (p.Lys370Asn)

Gene: ERCC4 (ERCC excision repair 4, endonuclease catalytic subunit; plus strand). Cytogenetic location: 16p13.12.
Variant type: single nucleotide variant.
Coding change: c.1110A>T on transcript NM_005236.3 (MANE Select); coding-DNA position 1110, A replaced by T.
Protein change: p.Lys370Asn; replaces lysine 370 with asparagine.
Molecular consequence: missense variant.
Genome position (GRCh38, 1-based): chr16:13,934,199, A>T. VCF-style: chr16-13934199-A-T. GRCh37 (hg19) VCF-style: chr16-14028056-A-T.
Other names: short protein forms K370N.
Identifiers: ClinVar variation 435078 (VCV000435078.10), dbSNP rs774643449, ClinGen allele CA7910403.